The following is an entry in ClinVar:

NM_000038.6(APC):c.2614A>C (p.Thr872Pro)

Gene: APC (APC regulator of Wnt signaling pathway; plus strand). Cytogenetic location: 5q22.2.
Variant type: single nucleotide variant.
Coding change: c.2614A>C on transcript NM_000038.6 (MANE Select); coding-DNA position 2614, A replaced by C.
Protein change: p.Thr872Pro; replaces threonine 872 with proline.
Molecular consequence: missense variant.
Genome position (GRCh38, 1-based): chr5:112,838,208, A>C. VCF-style: chr5-112838208-A-C. GRCh37 (hg19) VCF-style: chr5-112173905-A-C.
Other names: c.2614A>C, p.Thr872Pro (NM_001127510.3, NM_001354895.2); c.2560A>C, p.Thr854Pro (NM_001127511.3); c.2668A>C, p.Thr890Pro (NM_001354896.2); c.2644A>C, p.Thr882Pro (NM_001354897.2); c.2539A>C, p.Thr847Pro (NM_001354898.2); c.2530A>C, p.Thr844Pro (NM_001354899.2); c.2491A>C, p.Thr831Pro (NM_001354900.2); c.2437A>C, p.Thr813Pro (NM_001354901.2); and 5 more; short protein forms T872P, T854P, T771P, T831P, T847P, T890P, T712P, T746P.
Identifiers: ClinVar variation 411417 (VCV000411417.8), dbSNP rs1060503294, ClinGen allele CA16027051.

ClinVar aggregate classification (germline): Uncertain significance (1 of 4 stars; one submission).

Conditions:
Familial adenomatous polyposis 1 (FAP1). Also called: FAMILIAL ADENOMATOUS POLYPOSIS 1, ATTENUATED; POLYPOSIS, ADENOMATOUS INTESTINAL. Identifiers: MedGen C2713442, MONDO:0021056, OMIM 175100. Disease mechanism: loss of function.

Submission:

Labcorp Genetics (formerly Invitae), Labcorp
Classification: Uncertain significance for Familial adenomatous polyposis 1. Last evaluated: 2021-12-07. Review status: criteria provided, single submitter. Criteria: Invitae Variant Classification Sherloc (09022015). Collection method: clinical testing. Allele origin: germline.
Comment: This variant is not present in population databases (gnomAD no frequency). This variant has not been reported in the literature in individuals affected with APC-related conditions. ClinVar contains an entry for this variant (Variation ID: 411417). Algorithms developed to predict the effect of missense changes on protein structure and function (SIFT, PolyPhen-2, Align-GVGD) all suggest that this variant is likely to be tolerated. In summary, the available evidence is currently insufficient to determine the role of this variant in disease. Therefore, it has been classified as a Variant of Uncertain Significance. This sequence change replaces threonine, which is neutral and polar, with proline, which is neutral and non-polar, at codon 872 of the APC protein (p.Thr872Pro).